The following is an entry in ClinVar:

ClinVar aggregate classification (germline): Uncertain significance (1 of 4 stars; one submission).

Submission:

Ambry Genetics
Classification: Uncertain significance. Last evaluated: 2022-08-16. Review status: criteria provided, single submitter. Criteria: Ambry Variant Classification Scheme 2023. Collection method: clinical testing. Allele origin: germline.
Comment: The p.S766A variant (also known as c.2296T>G), located in coding exon 15 of the POLQ gene, results from a T to G substitution at nucleotide position 2296. The serine at codon 766 is replaced by alanine, an amino acid with similar properties. This amino acid position is conserved. In addition, this alteration is predicted to be tolerated by in silico analysis. Since supporting evidence is limited at this time, the clinical significance of this alteration remains unclear.

NM_199420.4(POLQ):c.2296T>G (p.Ser766Ala)

Gene: POLQ (DNA polymerase theta; minus strand). Cytogenetic location: 3q13.33.
Variant type: single nucleotide variant.
Coding change: c.2296T>G on transcript NM_199420.4 (MANE Select); coding-DNA position 2296, T replaced by G.
Protein change: p.Ser766Ala; replaces serine 766 with alanine.
Molecular consequence: missense variant.
Genome position (GRCh38, 1-based): chr3:121,493,704, A>C on the plus strand (T>G on the coding strand, the complement: POLQ is on the minus strand). VCF-style: chr3-121493704-A-C. GRCh37 (hg19) VCF-style: chr3-121212551-A-C.
Other names: short protein forms S766A.
Identifiers: ClinVar variation 1789180 (VCV001789180.2), dbSNP rs2546790901, ClinGen allele CA354108269.